The following is an entry in ClinVar:

ClinVar aggregate classification (germline): Uncertain significance (1 of 4 stars; one submission).

Conditions:
Pheochromocytoma/paraganglioma syndrome 5. Also called: Paragangliomas 5; SDHA-Related Hereditary Paraganglioma-Pheochromocytoma Syndrome. Identifiers: Orphanet 29072, MedGen C3279992, MONDO:0013602, OMIM 614165.
Mitochondrial complex II deficiency, nuclear type 1. Also called: SUCCINATE CoQ REDUCTASE DEFICIENCY. Identifiers: Orphanet 3208, MedGen C5700310, MONDO:0100294, OMIM 252011.

Submission:

Labcorp Genetics (formerly Invitae), Labcorp
Classification: Uncertain significance for Pheochromocytoma/paraganglioma syndrome 5; Mitochondrial complex II deficiency, nuclear type 1. Last evaluated: 2022-03-20. Review status: criteria provided, single submitter. Criteria: Invitae Variant Classification Sherloc (09022015). Collection method: clinical testing. Allele origin: germline.
Comment: This sequence change replaces serine, which is neutral and polar, with threonine, which is neutral and polar, at codon 48 of the SDHA protein (p.Ser48Thr). In summary, the available evidence is currently insufficient to determine the role of this variant in disease. Therefore, it has been classified as a Variant of Uncertain Significance. Advanced modeling of protein sequence and biophysical properties (such as structural, functional, and spatial information, amino acid conservation, physicochemical variation, residue mobility, and thermodynamic stability) performed at Invitae indicates that this missense variant is not expected to disrupt SDHA protein function. This variant has not been reported in the literature in individuals affected with SDHA-related conditions. This variant is not present in population databases (gnomAD no frequency).

NM_004168.4(SDHA):c.142T>A (p.Ser48Thr)

Gene: SDHA (succinate dehydrogenase complex flavoprotein subunit A; plus strand). Cytogenetic location: 5p15.33.
Variant type: single nucleotide variant.
Coding change: c.142T>A on transcript NM_004168.4 (MANE Select); coding-DNA position 142, T replaced by A.
Protein change: p.Ser48Thr; replaces serine 48 with threonine.
Molecular consequence: missense variant.
Genome position (GRCh38, 1-based): chr5:223,560, T>A. VCF-style: chr5-223560-T-A. GRCh37 (hg19) VCF-style: chr5-223675-T-A.
Other names: c.142T>A, p.Ser48Thr (NM_001294332.2, NM_001330758.2); short protein forms S48T.
Identifiers: ClinVar variation 2115296 (VCV002115296.4), dbSNP rs2477280907, ClinGen allele CA359008295.